The following is an entry in ClinVar:

ClinVar aggregate classification (germline): Uncertain significance. Review status: criteria provided, multiple submitters, no conflicts (2 of 4 stars). 2 submissions from 2 submitters: Uncertain significance (2). Last evaluated 2025-04-11.

Conditions:
Cardiovascular phenotype. Identifiers: MedGen CN230736.
RASopathy. Also called: rasopathies; Noonan spectrum disorder. Identifiers: Orphanet 536391, MedGen C5555857, MONDO:0021060.

Allele frequency attached by ClinVar (database versions not stated): gnomAD exomes below 0.00001; gnomAD 0.00001; TOPMed below 0.00001; ExAC 0.00001.
gnomAD v4.1: 3 of 1,614,108 alleles (0.00019%); highest among the groups gnomAD compares: East Asian, 0.0045%; no homozygotes.

Submissions (2):

Ambry Genetics
Classification: Uncertain significance for Cardiovascular phenotype. Last evaluated: 2025-04-11. Review status: criteria provided, single submitter. Criteria: Ambry Variant Classification Scheme 2023. Collection method: clinical testing. Allele origin: germline.
Comment: The p.T789I variant (also known as c.2366C>T), located in coding exon 15 of the CBL gene, results from a C to T substitution at nucleotide position 2366. The threonine at codon 789 is replaced by isoleucine, an amino acid with similar properties. This amino acid position is conserved. In addition, the in silico prediction for this alteration is inconclusive. Based on the available evidence, the clinical significance of this variant remains unclear.

Labcorp Genetics (formerly Invitae), Labcorp
Classification: Uncertain significance for RASopathy. Last evaluated: 2022-06-02. Review status: criteria provided, single submitter. Criteria: Invitae Variant Classification Sherloc (09022015). Collection method: clinical testing. Allele origin: germline.
Comment: This sequence change replaces threonine, which is neutral and polar, with isoleucine, which is neutral and non-polar, at codon 789 of the CBL protein (p.Thr789Ile). This variant is present in population databases (rs757530036, gnomAD 0.006%). This variant has not been reported in the literature in individuals affected with CBL-related conditions. ClinVar contains an entry for this variant (Variation ID: 1406780). Advanced modeling of protein sequence and biophysical properties (such as structural, functional, and spatial information, amino acid conservation, physicochemical variation, residue mobility, and thermodynamic stability) performed at Invitae indicates that this missense variant is not expected to disrupt CBL protein function. In summary, the available evidence is currently insufficient to determine the role of this variant in disease. Therefore, it has been classified as a Variant of Uncertain Significance.

NM_005188.4(CBL):c.2366C>T (p.Thr789Ile)

Gene: CBL (Cbl proto-oncogene; plus strand). Cytogenetic location: 11q23.3.
Variant type: single nucleotide variant.
Coding change: c.2366C>T on transcript NM_005188.4 (MANE Select); coding-DNA position 2366, C replaced by T.
Protein change: p.Thr789Ile; replaces threonine 789 with isoleucine.
Molecular consequence: missense variant.
Genome position (GRCh38, 1-based): chr11:119,298,472, C>T. VCF-style: chr11-119298472-C-T. GRCh37 (hg19) VCF-style: chr11-119169182-C-T.
Other names: c.2366C>T (NM_005188.2); short protein forms T789I.
Identifiers: ClinVar variation 1406780 (VCV001406780.6), dbSNP rs757530036, ClinGen allele CA6318761.
Genomic context (GRCh38, chr11:119,298,472, plus strand): 5'-ATGAGGATGATGGGTATGATGTCCCAAAGCCACCTGTGCCGGCCGTGCTGGCCCGCCGAA[C>T]TCTCTCAGATATCTCTAATGCCAGCTCCTCCTTTGGCTGGTTGTCTCTGGATGGTGATCC-3'
Protein context (NP_005179.2, residues 779-799): PPVPAVLARR[Thr789Ile]LSDISNASSS